The following is an entry in ClinVar:

ClinVar aggregate classification (germline): Uncertain significance (1 of 4 stars; one submission).

Allele frequency attached by ClinVar (database versions not stated): ExAC 0.00001; gnomAD 0.00001; TOPMed 0.00002; ESP Exome Variant Server 0.00008.
gnomAD v4.1: 1 of 1,612,356 alleles (0.000062%); highest among the groups gnomAD compares: African/African-American, 0.0013%; no homozygotes.

Submission:

Labcorp Genetics (formerly Invitae), Labcorp
Classification: Uncertain significance. Last evaluated: 2023-01-10. Review status: criteria provided, single submitter. Criteria: Invitae Variant Classification Sherloc (09022015). Collection method: clinical testing. Allele origin: germline.
Comment: In summary, the available evidence is currently insufficient to determine the role of this variant in disease. Therefore, it has been classified as a Variant of Uncertain Significance. This sequence change replaces threonine, which is neutral and polar, with serine, which is neutral and polar, at codon 517 of the SLC1A2 protein (p.Thr517Ser). This variant is present in population databases (rs372136335, gnomAD 0.007%). This variant has not been reported in the literature in individuals affected with SLC1A2-related conditions. Algorithms developed to predict the effect of missense changes on protein structure and function (SIFT, PolyPhen-2, Align-GVGD) all suggest that this variant is likely to be tolerated.

NM_004171.4(SLC1A2):c.1550C>G (p.Thr517Ser)

Gene: SLC1A2 (solute carrier family 1 member 2; minus strand). Cytogenetic location: 11p13.
Variant type: single nucleotide variant.
Coding change: c.1550C>G on transcript NM_004171.4 (MANE Select); coding-DNA position 1550, C replaced by G.
Protein change: p.Thr517Ser; replaces threonine 517 with serine.
Molecular consequence: missense variant.
Genome position (GRCh38, 1-based): chr11:35,265,630, G>C on the plus strand (C>G on the coding strand, the complement: SLC1A2 is on the minus strand). VCF-style: chr11-35265630-G-C. GRCh37 (hg19) VCF-style: chr11-35287177-G-C.
Other names: c.1523C>G, p.Thr508Ser (NM_001195728.3, NM_001252652.2); short protein forms T517S, T508S.
Identifiers: ClinVar variation 2909988 (VCV002909988.3), dbSNP rs372136335, ClinGen allele CA5947057.